The following is an entry in ClinVar:

ClinVar aggregate classification (germline): Uncertain significance (1 of 4 stars; one submission).

Allele frequency attached by ClinVar (database versions not stated): gnomAD exomes below 0.00001.
gnomAD v4.1: 6 of 1,610,738 alleles (0.00037%); highest among the groups gnomAD compares: South Asian, 0.0011%; no homozygotes.

Submission:

Labcorp Genetics (formerly Invitae), Labcorp
Classification: Uncertain significance. Last evaluated: 2021-08-28. Review status: criteria provided, single submitter. Criteria: Invitae Variant Classification Sherloc (09022015). Collection method: clinical testing. Allele origin: germline.
Comment: This sequence change replaces methionine with threonine at codon 690 of the EIF2AK3 protein (p.Met690Thr). The methionine residue is moderately conserved and there is a moderate physicochemical difference between methionine and threonine. This variant is not present in population databases (ExAC no frequency). This variant has not been reported in the literature in individuals affected with EIF2AK3-related conditions. Algorithms developed to predict the effect of missense changes on protein structure and function (SIFT, PolyPhen-2, Align-GVGD) all suggest that this variant is likely to be tolerated. In summary, the available evidence is currently insufficient to determine the role of this variant in disease. Therefore, it has been classified as a Variant of Uncertain Significance.

NM_004836.7(EIF2AK3):c.2069T>C (p.Met690Thr)

Genes: EIF2AK3 (eukaryotic translation initiation factor 2 alpha kinase 3; minus strand), EIF2AK3-AS1 (EIF2AK3 antisense RNA 1; plus strand). Cytogenetic location: 2p11.2.
Variant type: single nucleotide variant.
Coding change: c.2069T>C on transcript NM_004836.7 (MANE Select); coding-DNA position 2069, T replaced by C.
Protein change: p.Met690Thr; replaces methionine 690 with threonine.
Molecular consequence: missense variant. On other transcripts: non-coding transcript variant (1).
Genome position (GRCh38, 1-based): chr2:88,575,414, A>G on the plus strand (T>C on the coding strand, the complement: EIF2AK3 is on the minus strand). VCF-style: chr2-88575414-A-G. GRCh37 (hg19) VCF-style: chr2-88874932-A-G.
Other names: c.1616T>C, p.Met539Thr (NM_001313915.2); short protein forms M539T, M690T.
Identifiers: ClinVar variation 1464002 (VCV001464002.5), dbSNP rs2104412226, ClinGen allele CA347592980.